The following is an entry in ClinVar:

ClinVar aggregate classification (germline): Likely benign (1 of 4 stars; one submission).

Allele frequency attached by ClinVar (database versions not stated): TOPMed 0.00005; ExAC 0.00007; gnomAD 0.00007; gnomAD exomes 0.00014; 1000 Genomes Project 30x 0.00016; 1000 Genomes Project 0.00020; ESP Exome Variant Server 0.00023.
gnomAD v4.1: 209 of 1,614,170 alleles (0.013%); highest among the groups gnomAD compares: South Asian, 0.018%; no homozygotes.

Submission:

CeGaT Center for Human Genetics Tuebingen
Classification: Likely benign. Last evaluated: 2022-05-01. Review status: criteria provided, single submitter. Criteria: CeGaT Center For Human Genetics Tuebingen Variant Classification Criteria Version 2. Collection method: clinical testing. Allele origin: germline. Affected: yes. Observed: 1 variant allele.
Comment: NFASC: BP4, BP7

NM_001005388.3(NFASC):c.378G>A (p.Thr126=)

Gene: NFASC (neurofascin; plus strand). Cytogenetic location: 1q32.1.
Variant type: single nucleotide variant.
Coding change: c.378G>A on transcript NM_001005388.3 (MANE Select); coding-DNA position 378, G replaced by A.
Protein change: p.Thr126=; no amino-acid change (threonine 126 retained).
Molecular consequence: synonymous variant. On other transcripts: non-coding transcript variant (1).
Genome position (GRCh38, 1-based): chr1:204,954,350, G>A. VCF-style: chr1-204954350-G-A. GRCh37 (hg19) VCF-style: chr1-204923478-G-A.
Other names: c.378G>A, p.Thr126= (NM_001005389.2, NM_001378329.1); c.360G>A, p.Thr120= (NM_001160331.2, NM_001160332.2, NM_001160333.2 and 4 more transcripts).
Identifiers: ClinVar variation 2639836 (VCV002639836.24), dbSNP rs140357522, ClinGen allele CA1349558.